The following is an entry in ClinVar:

ClinVar aggregate classification (germline): Benign. Review status: criteria provided, multiple submitters, no conflicts (2 of 4 stars). 2 submissions from 2 submitters: Benign (2). Last evaluated 2018-06-14.

Allele frequency attached by ClinVar (database versions not stated): 1000 Genomes Project 30x 0.08542; 1000 Genomes Project 0.08626; gnomAD 0.14194 and 0.14480; TOPMed 0.14814; gnomAD exomes 0.16943.
gnomAD v4.1: 108,273 of 662,436 alleles (16%); highest among the groups gnomAD compares: Middle Eastern, 21%; 11,030 homozygotes.

Submissions (2):

GeneDx
Classification: Benign. Last evaluated: 2018-06-14. Review status: criteria provided, single submitter. Criteria: GeneDx Variant Classification (06012015). Collection method: clinical testing. Allele origin: germline. Affected: yes.
Comment: This variant is considered likely benign or benign based on one or more of the following criteria: it is a conservative change, it occurs at a poorly conserved position in the protein, it is predicted to be benign by multiple in silico algorithms, and/or has population frequency not consistent with disease.

Breakthrough Genomics
Classification: Benign. Review status: criteria provided, single submitter. Criteria: ACMG Guidelines, 2015. Collection method: not provided. Allele origin: germline. Inheritance: Autosomal dominant inheritance. Affected: yes.

NM_015443.4(KANSL1):c.2541+174C>T

Gene: KANSL1 (KAT8 regulatory NSL complex subunit 1). Cytogenetic location: 17q21.31.
Variant type: single nucleotide variant.
Coding change: c.2541+174C>T on transcript NM_015443.4 (MANE Select); 174 bases into the intron after coding-DNA position 2541, C replaced by T.
Molecular consequence: intron variant.
Genome position (GRCh38, 1-based): chr17:46,038,364, G>A on the plus strand (C>T on the coding strand, the complement: KANSL1 is on the minus strand). VCF-style: chr17-46038364-G-A. GRCh37 (hg19) VCF-style: chr17-44115730-G-A.
Other names: c.2541+174C>T (NM_001193465.2, NM_001379198.1, NM_001193466.2).
Identifiers: ClinVar variation 670430 (VCV000670430.2), dbSNP rs12150542, ClinGen allele CA15891641.